The following is an entry in ClinVar:

GRCh38/hg38 9p24.3-24.2(chr9:220253-3793376)x1

Genes: DMRT1 (doublesex and mab-3 related transcription factor 1; plus strand), DMRT2 (doublesex and mab-3 related transcription factor 2; plus strand), DMRT3 (doublesex and mab-3 related transcription factor 3; plus strand), DOCK8 (dedicator of cytokinesis 8; plus strand), KANK1 (KN motif and ankyrin repeat domains 1; plus strand) and 68 more. Cytogenetic location: 9p24.3-24.2.
Variant type: copy number loss.
Change: copy number 1 (one copy instead of two) of chr9:220,253-3,793,376 (3.57 Mb, GRCh38 coordinates, 1-based), cytogenetic band 9p24.3-24.2.
Identifiers: ClinVar variation 57352 (VCV000057352.1).

ClinVar aggregate classification (germline): Pathogenic (1 of 4 stars; one submission).

Submission:

ISCA site 4
Classification: Pathogenic. Last evaluated: 2011-08-12. Review status: criteria provided, single submitter. Criteria: Kaminsky et al. (Genet Med. 2011). Collection method: clinical testing. Allele origin: unknown. Affected: yes. Observed: 1 variant allele.
Comment: Copy number variation identified through the course of routine clinical cytogenomic testing in postnatal populations. Clinical assertions have been curated as described in Kaminsky et al. 2011.